The following is an entry in ClinVar:

NM_001182.5(ALDH7A1):c.1410G>A (p.Trp470Ter)

Gene: ALDH7A1 (aldehyde dehydrogenase 7 family member A1; minus strand). Cytogenetic location: 5q23.2.
Variant type: single nucleotide variant.
Coding change: c.1410G>A on transcript NM_001182.5 (MANE Select); coding-DNA position 1410, G replaced by A.
Protein change: p.Trp470Ter; replaces tryptophan 470 with a stop codon.
Molecular consequence: nonsense.
Genome position (GRCh38, 1-based): chr5:126,550,201, C>T on the plus strand (G>A on the coding strand, the complement: ALDH7A1 is on the minus strand). VCF-style: chr5-126550201-C-T. GRCh37 (hg19) VCF-style: chr5-125885893-C-T.
Other names: c.1326G>A, p.Trp442Ter (NM_001201377.2); c.1218G>A, p.Trp406Ter (NM_001202404.2); short protein forms W406*, W442*, W470*.
Identifiers: ClinVar variation 816983 (VCV000816983.1), dbSNP rs1581357507, ClinGen allele CA360721359.

ClinVar aggregate classification (germline): Likely pathogenic (1 of 4 stars; one submission).

Submission:

GeneDx
Classification: Likely pathogenic. Last evaluated: 2019-02-26. Review status: criteria provided, single submitter. Criteria: GeneDx Variant Classification (06012015). Collection method: clinical testing. Allele origin: germline. Affected: yes.
Comment: The W470X nonsense variant in the ALDH7A1 gene is predicted to cause loss of normal protein function either through protein truncation or nonsense-mediated mRNA decay. The W470X variant has not been published as a pathogenic variant, nor has it been reported as a benign variant to our knowledge. This variant is not observed in large population cohorts (Lek et al., 2016). Therefore, this variant is likely pathogenic; however, the possibility that it is benign cannot be excluded.